The following is an entry in ClinVar:

NM_001458.5(FLNC):c.4364C>T (p.Ala1455Val)

Gene: FLNC (filamin C; plus strand). Cytogenetic location: 7q32.1.
Variant type: single nucleotide variant.
Coding change: c.4364C>T on transcript NM_001458.5 (MANE Select); coding-DNA position 4364, C replaced by T.
Protein change: p.Ala1455Val; replaces alanine 1455 with valine.
Molecular consequence: missense variant.
Genome position (GRCh38, 1-based): chr7:128,847,772, C>T. VCF-style: chr7-128847772-C-T. GRCh37 (hg19) VCF-style: chr7-128487826-C-T.
Other names: c.4364C>T, p.Ala1455Val (NM_001127487.2); short protein forms A1455V.
Identifiers: ClinVar variation 3761266 (VCV003761266.2).

ClinVar aggregate classification (germline): Uncertain significance (1 of 4 stars; one submission).

Conditions:
Hypertrophic cardiomyopathy 26. Also called: Cardiomyopathy, familial hypertrophic, 26. Identifiers: Orphanet 75249, MedGen C4310749, MONDO:0014883, OMIM 617047.
Distal myopathy with posterior leg and anterior hand involvement. Also called: WILLIAMS DISTAL MYOPATHY. Identifiers: Orphanet 63273, MedGen C3279722, MONDO:0013550, OMIM 614065.
Myofibrillar myopathy 5. Also called: Filaminopathy (type); FILAMINOPATHY, AUTOSOMAL DOMINANT. Identifiers: Orphanet 171445, MedGen C1836050, MONDO:0012289, OMIM 609524.

gnomAD v4.1: 2 of 1,614,120 alleles (0.00012%); highest among the groups gnomAD compares: East Asian, 0.0045%; no homozygotes.

Submission:

Labcorp Genetics (formerly Invitae), Labcorp
Classification: Uncertain significance for Distal myopathy with posterior leg and anterior hand involvement; Myofibrillar myopathy 5; Hypertrophic cardiomyopathy 26. Last evaluated: 2024-04-03. Review status: criteria provided, single submitter. Criteria: Invitae Variant Classification Sherloc (09022015). Collection method: clinical testing. Allele origin: germline.
Comment: This sequence change replaces alanine, which is neutral and non-polar, with valine, which is neutral and non-polar, at codon 1455 of the FLNC protein (p.Ala1455Val). This variant is present in population databases (no rsID available, gnomAD 0.006%). This variant has not been reported in the literature in individuals affected with FLNC-related conditions. Advanced modeling of protein sequence and biophysical properties (such as structural, functional, and spatial information, amino acid conservation, physicochemical variation, residue mobility, and thermodynamic stability) has been performed at Invitae for this missense variant, however the output from this modeling did not meet the statistical confidence thresholds required to predict the impact of this variant on FLNC protein function. In summary, the available evidence is currently insufficient to determine the role of this variant in disease. Therefore, it has been classified as a Variant of Uncertain Significance.